The following is an entry in ClinVar:

NM_001351132.2(PEX5):c.230G>C (p.Arg77Pro)

Gene: PEX5 (peroxisomal biogenesis factor 5; plus strand). Cytogenetic location: 12p13.31.
Variant type: single nucleotide variant.
Coding change: c.230G>C on transcript NM_001351132.2 (MANE Select); coding-DNA position 230, G replaced by C.
Protein change: p.Arg77Pro; replaces arginine 77 with proline.
Molecular consequence: missense variant.
Genome position (GRCh38, 1-based): chr12:7,191,272, G>C. VCF-style: chr12-7191272-G-C. GRCh37 (hg19) VCF-style: chr12-7343868-G-C.
Other names: c.230G>C, p.Arg77Pro (NM_000319.5, NM_001131024.2, NM_001131025.2 and 19 more transcripts); c.275G>C, p.Arg92Pro (NM_001131023.2, NM_001351135.3, NM_001351138.2); short protein forms R92P, R77P.
Identifiers: ClinVar variation 2083125 (VCV002083125.1), dbSNP rs780957318, ClinGen allele CA383711010.

ClinVar aggregate classification (germline): Uncertain significance (1 of 4 stars; one submission).

Conditions:
Peroxisome biogenesis disorder 2B (PBD2B). Identifiers: Orphanet 44, MedGen C3550234, MONDO:0008736, OMIM 202370.

gnomAD v4.1: 1 of 1,614,070 alleles (0.000062%); no homozygotes.

Submission:

Labcorp Genetics (formerly Invitae), Labcorp
Classification: Uncertain significance for Peroxisome biogenesis disorder 2B. Last evaluated: 2022-05-29. Review status: criteria provided, single submitter. Criteria: Invitae Variant Classification Sherloc (09022015). Collection method: clinical testing. Allele origin: germline.
Comment: This sequence change replaces arginine, which is basic and polar, with proline, which is neutral and non-polar, at codon 77 of the PEX5 protein (p.Arg77Pro). This variant is not present in population databases (gnomAD no frequency). This variant has not been reported in the literature in individuals affected with PEX5-related conditions. Algorithms developed to predict the effect of missense changes on protein structure and function (SIFT, PolyPhen-2, Align-GVGD) all suggest that this variant is likely to be tolerated. Algorithms developed to predict the effect of sequence changes on RNA splicing suggest that this variant may create or strengthen a splice site. In summary, the available evidence is currently insufficient to determine the role of this variant in disease. Therefore, it has been classified as a Variant of Uncertain Significance.